The following is an entry in ClinVar:

ClinVar aggregate classification (germline): Uncertain significance (1 of 4 stars; one submission).

Submission:

GeneDx
Classification: Uncertain significance. Last evaluated: 2025-07-07. Review status: criteria provided, single submitter. Criteria: GeneDx Variant Classification Process June 2021. Collection method: clinical testing. Allele origin: germline. Affected: yes.
Comment: Not observed at significant frequency in large population cohorts (gnomAD); In silico analysis supports that this missense variant has a deleterious effect on protein structure/function; Has not been previously published as pathogenic or benign to our knowledge

NM_005909.5(MAP1B):c.6647A>G (p.Asp2216Gly)

Gene: MAP1B (microtubule associated protein 1B; plus strand). Cytogenetic location: 5q13.2.
Variant type: single nucleotide variant.
Coding change: c.6647A>G on transcript NM_005909.5 (MANE Select); coding-DNA position 6647, A replaced by G.
Protein change: p.Asp2216Gly; replaces aspartic acid 2216 with glycine.
Molecular consequence: missense variant.
Genome position (GRCh38, 1-based): chr5:72,200,002, A>G. VCF-style: chr5-72200002-A-G. GRCh37 (hg19) VCF-style: chr5-71495829-A-G.
Other names: c.6269A>G, p.Asp2090Gly (NM_001324255.2); short protein forms D2090G, D2216G.
Identifiers: ClinVar variation 4685186 (VCV004685186.1).